The following is an entry in ClinVar:

NM_020774.4(MIB1):c.2802del (p.Leu934fs)

Gene: MIB1 (MIB E3 ubiquitin protein ligase 1; plus strand). Cytogenetic location: 18q11.2.
Variant type: Deletion.
Coding change: c.2802del on transcript NM_020774.4 (MANE Select); coding-DNA position 2802, one base deleted (A; older notation c.2802delA).
Protein change: p.Leu934fs; shifts the reading frame from leucine 934.
Molecular consequence: frameshift variant.
Genome position (GRCh38, 1-based): chr18:21,858,568, A deleted. VCF-style (leftmost placement, unchanged base first): chr18-21858567-TA-T. GRCh37 (hg19) VCF-style: chr18-19438528-TA-T.
Other names: c.2802delA, p.Leu934Phefs (NM_020774.3); short protein forms L934fs.
Identifiers: ClinVar variation 3375897 (VCV003375897.1).

ClinVar aggregate classification (germline): Uncertain significance (1 of 4 stars; one submission).

Submission:

GeneDx
Classification: Uncertain significance. Last evaluated: 2024-05-07. Review status: criteria provided, single submitter. Criteria: GeneDx Variant Classification Process June 2021. Collection method: clinical testing. Allele origin: germline. Affected: yes.
Comment: Not observed at significant frequency in large population cohorts (gnomAD); Frameshift variant predicted to result in abnormal protein length as the last 73 amino acids are replaced with 33 different amino acids; Has not been previously published as pathogenic or benign to our knowledge